The following is an entry in ClinVar:

NM_006946.4(SPTBN2):c.6231+3del

Gene: SPTBN2 (spectrin beta, non-erythrocytic 2; minus strand). Cytogenetic location: 11q13.2.
Variant type: Deletion.
Coding change: c.6231+3del on transcript NM_006946.4 (MANE Select); 3 bases into the intron after coding-DNA position 6231, one base deleted (G; older notation c.6231+3delG).
Molecular consequence: intron variant.
Genome position (GRCh38, 1-based): chr11:66,688,650, C deleted on the plus strand (G on the coding strand, the reverse complement: SPTBN2 is on the minus strand). VCF-style (leftmost placement, unchanged base first): chr11-66688649-TC-T. GRCh37 (hg19) VCF-style: chr11-66456120-TC-T.
Identifiers: ClinVar variation 1806923 (VCV001806923.4), dbSNP rs1184780104, ClinGen allele CA600233726.

ClinVar aggregate classification (germline): Uncertain significance. Review status: criteria provided, multiple submitters, no conflicts (2 of 4 stars). 2 submissions from 2 submitters: Uncertain significance (2). Last evaluated 2022-11-20.

Allele frequency attached by ClinVar (database versions not stated): gnomAD exomes 0.00001.

Submissions (2):

Labcorp Genetics (formerly Invitae), Labcorp
Classification: Uncertain significance. Last evaluated: 2022-11-20. Review status: criteria provided, single submitter. Criteria: Invitae Variant Classification Sherloc (09022015). Collection method: clinical testing. Allele origin: germline.
Comment: In summary, the available evidence is currently insufficient to determine the role of this variant in disease. Therefore, it has been classified as a Variant of Uncertain Significance. Variants that disrupt the consensus splice site are a relatively common cause of aberrant splicing (PMID: 17576681, 9536098). Algorithms developed to predict the effect of sequence changes on RNA splicing suggest that this variant is not likely to affect RNA splicing. This variant has not been reported in the literature in individuals affected with SPTBN2-related conditions. This variant is present in population databases (no rsID available, gnomAD 0.003%). This sequence change falls in intron 30 of the SPTBN2 gene. It does not directly change the encoded amino acid sequence of the SPTBN2 protein. It affects a nucleotide within the consensus splice site.

Athena Diagnostics
Classification: Uncertain significance. Last evaluated: 2022-01-26. Review status: criteria provided, single submitter. Criteria: Athena Diagnostics Criteria. Collection method: clinical testing. Allele origin: unknown.

Literature cited by the submitters: PubMed 17576681 (cited by Labcorp Genetics (formerly Invitae), Labcorp); PubMed 9536098 (cited by Labcorp Genetics (formerly Invitae), Labcorp).